The following is an entry in ClinVar:

ClinVar aggregate classification (germline): Uncertain significance (1 of 4 stars; one submission).

Conditions:
Arrhythmogenic right ventricular dysplasia 5. Also called: Arrhythmogenic Right Ventricular Dysplasia/Cardiomyopathy 5; ARRHYTHMOGENIC RIGHT VENTRICULAR DYSPLASIA, FAMILIAL, 5. Identifiers: MedGen C1858379, MONDO:0011459, OMIM 604400.

Submission:

All of Us Research Program, National Institutes of Health
Classification: Uncertain significance for Arrhythmogenic right ventricular dysplasia 5. Last evaluated: 2022-11-28. Review status: criteria provided, single submitter. Criteria: ACMG Guidelines, 2015. Collection method: clinical testing. Allele origin: germline. Inheritance: Autosomal dominant inheritance. Observed: 1 variant allele, 1 heterozygote.
Comment: This study involves interpretation of variants in research participants for the purpose of population health screening. Participant phenotype was not available at the time of variant classification. Additional details can be found in publication PMID: 35346344, PMCID: PMC8962531

NM_024334.3(TMEM43):c.1126G>T (p.Ala376Ser)

Gene: TMEM43 (transmembrane protein 43; plus strand). Cytogenetic location: 3p25.1.
Variant type: single nucleotide variant.
Coding change: c.1126G>T on transcript NM_024334.3 (MANE Select); coding-DNA position 1126, G replaced by T.
Protein change: p.Ala376Ser; replaces alanine 376 with serine.
Molecular consequence: missense variant.
Genome position (GRCh38, 1-based): chr3:14,141,718, G>T. VCF-style: chr3-14141718-G-T. GRCh37 (hg19) VCF-style: chr3-14183218-G-T.
Other names: c.1129G>T, p.Ala377Ser (NM_001407274.1); c.1123G>T, p.Ala375Ser (NM_001407275.1, NM_001407276.1); c.1120G>T, p.Ala374Ser (NM_001407277.1); c.1111G>T, p.Ala371Ser (NM_001407278.1); c.1051G>T, p.Ala351Ser (NM_001407279.1); c.976G>T, p.Ala326Ser (NM_001407280.1); short protein forms A326S, A351S, A371S, A374S, A375S, A376S, A377S.
Identifiers: ClinVar variation 3069299 (VCV003069299.1), dbSNP rs2470201430, ClinGen allele CA351536585.
Genomic context (GRCh38, chr3:14,141,718, plus strand): 5'-GCCACCTCGCTGACCCTGCTGACCGTGGCGGCTGGCTGGCTCTTCTACCGACCCCTGTGG[G>T]CCCTCCTCATTGCCGGCCTGGCCCTTGTGCCCATCCTTGTTGCTCGGACACGGGTGCCAG-3'
Protein context (NP_077310.1, residues 366-386): AGWLFYRPLW[Ala376Ser]LLIAGLALVP